The following is an entry in ClinVar:

ClinVar aggregate classification (germline): Likely benign (1 of 4 stars; one submission).

Conditions:
Hereditary diffuse gastric adenocarcinoma (HDGC). Also called: DIFFUSE GASTRIC AND LOBULAR BREAST CANCER SYNDROME. Identifiers: Orphanet 26106, MedGen C1708349, MONDO:0007648, OMIM 137215.

Submission:

Myriad Genetics, Inc.
Classification: Likely benign for Hereditary diffuse gastric adenocarcinoma. Last evaluated: 2024-10-14. Review status: criteria provided, single submitter. Criteria: Myriad Autosomal Dominant, Autosomal Recessive and X-Linked Classification Criteria (2023). Collection method: clinical testing. Allele origin: unknown.
Comment: This variant is considered likely benign. This variant is intronic and is not expected to impact mRNA splicing.

NM_001903.5(CTNNA1):c.2010+9G>A

Gene: CTNNA1 (catenin alpha 1; plus strand). Cytogenetic location: 5q31.2.
Variant type: single nucleotide variant.
Coding change: c.2010+9G>A on transcript NM_001903.5 (MANE Select); 9 bases into the intron after coding-DNA position 2010, G replaced by A.
Molecular consequence: intron variant.
Genome position (GRCh38, 1-based): chr5:138,929,365, G>A. VCF-style: chr5-138929365-G-A. GRCh37 (hg19) VCF-style: chr5-138265054-G-A.
Other names: c.2010+9G>A (NM_001323982.2, NM_001323984.2, NM_001290307.3 and 2 more transcripts); c.1917+9G>A (NM_001323986.2); c.1641+9G>A (NM_001290310.3); c.1701+9G>A (NM_001290309.3); c.900+9G>A (NM_001323996.1, NM_001323993.1, NM_001324005.1 and 17 more transcripts); c.561+9G>A (NM_001324007.1, NM_001324009.1, NM_001324006.1 and 2 more transcripts); c.657+9G>A (NM_001324013.1, NM_001324012.1); c.807+9G>A (NM_001324011.1).
Identifiers: ClinVar variation 3773229 (VCV003773229.1).
Genomic context (GRCh38, chr5:138,929,365, plus strand): 5'-GACGAGCGTCCAGACAGAAGACGATCAGCTGATAGCTGGCCAGAGTGCCCGGGTAAGGAA[G>A]CGCTCCGTGGGGCAGTTCAGCTTGTGCTGCCGACTTTCCCTGTCCCCTTTCTTGTTTCCA-3'